The following is an entry in ClinVar:

ClinVar aggregate classification (germline): Conflicting classifications of pathogenicity. Review status: criteria provided, conflicting classifications (1 of 4 stars). 7 submissions from 7 submitters: Uncertain significance (1); Benign (1); Likely benign (2). 3 of the submissions do not count toward it. Last evaluated 2026-01-28.

Conditions:
Autosomal dominant osteopetrosis 1 (OPTA1). Also called: OSTEOPETROSIS, AUTOSOMAL DOMINANT, TYPE I. Identifiers: Orphanet 2783, MedGen C1843330, MONDO:0011877, OMIM 607634.
Bone mineral density quantitative trait locus 1 (BMND1). Identifiers: MedGen C1866079, OMIM 601884.
Polycystic liver disease 4 with or without kidney cysts. Identifiers: MedGen C4693479, MONDO:0044327, OMIM 617875.
Worth disease. Also called: Autosomal dominant osteosclerosis, Worth type; ENDOSTEAL HYPEROSTOSIS, AUTOSOMAL DOMINANT; OSTEOSCLEROSIS, AUTOSOMAL DOMINANT. Identifiers: Orphanet 2790, MedGen C0432273, MONDO:0007764, OMIM 144750.
Osteoporosis with pseudoglioma (OPPG). Also called: osteoporosis-pseudoglioma syndrome. Identifiers: Orphanet 2788, MedGen C0432252, MONDO:0009820, OMIM 259770.
Exudative vitreoretinopathy 4 (EVR4). Identifiers: Orphanet 891, MedGen C1866176, MONDO:0011151, OMIM 601813.

Submissions (7):

Labcorp Genetics (formerly Invitae), Labcorp
Classification: Likely benign. Last evaluated: 2026-01-28. Review status: criteria provided, single submitter. Criteria: Invitae Variant Classification Sherloc (09022015). Collection method: clinical testing. Allele origin: germline.

GeneDx
Classification: Benign. Last evaluated: 2019-08-19. Review status: criteria provided, single submitter. Criteria: GeneDx Variant Classification Process June 2021. Collection method: clinical testing. Allele origin: germline. Affected: yes.

Eurofins Ntd Llc (ga)
Classification: Likely benign. Last evaluated: 2016-08-12. Review status: criteria provided, single submitter. Criteria: EGL Classification Definitions 2015. Collection method: clinical testing. Allele origin: germline. Observed: 2 variant alleles, 2 heterozygotes.

Juno Genomics, Hangzhou Juno Genomics, Inc
Classification: Uncertain significance for Bone mineral density quantitative trait locus 1; Worth disease; Exudative vitreoretinopathy 4; Autosomal dominant osteopetrosis 1; Osteoporosis with pseudoglioma; Polycystic liver disease 4 with or without kidney cysts. Review status: criteria provided, single submitter. Criteria: ACMG Guidelines, 2015. Collection method: clinical testing. Allele origin: germline.
Comment: Absent from controls (or at extremely low frequency if recessive) in Genome Aggregation Database.;Protein length changes due to in-frame deletions/insertions in a non-repeat region or stop-loss variants.

Genome Diagnostics Laboratory, Amsterdam University Medical Center
Classification: Likely benign. Review status: no assertion criteria provided. Collection method: clinical testing. Allele origin: germline. Affected: yes. Study: VKGL Data-share Consensus. Not counted in ClinVar's aggregate classification.

Genome Diagnostics Laboratory, University Medical Center Utrecht
Classification: Benign. Review status: no assertion criteria provided. Collection method: clinical testing. Allele origin: germline. Affected: yes. Study: VKGL Data-share Consensus. Not counted in ClinVar's aggregate classification.

Laboratory of Diagnostic Genome Analysis, Leiden University Medical Center (LUMC)
Classification: Likely benign. Review status: no assertion criteria provided. Collection method: clinical testing. Allele origin: germline. Affected: yes. Study: VKGL Data-share Consensus. Not counted in ClinVar's aggregate classification.

Literature cited by the submitters: I:\T\Sequencing\Sequencing Data for Analysis\LRP5\LRP5_exon1_repeat.docx (cited by Eurofins Ntd Llc (ga)).

NM_002335.4(LRP5):c.34CTG[8] (p.Leu20del)

Gene: LRP5 (LDL receptor related protein 5; plus strand). Cytogenetic location: 11q13.2.
Variant type: Microsatellite.
Coding change: c.34CTG[8] on transcript NM_002335.4 (MANE Select); eight copies in a row of the 3-base unit CTG starting at c.34; the reference has nine copies in a row; one copy, 3 bases deleted.
Protein change: p.Leu20del; deletes leucine 20.
Molecular consequence: inframe deletion. On other transcripts: 5 prime UTR variant (1).
Genome position (GRCh38, 1-based): chr11:68,312,772-68,312,774, CTG deleted; deleting any 3 consecutive bases within chr11:68,312,747-68,312,774 gives the same sequence; the position shown is the placement nearest the transcript's 3' end. VCF-style (leftmost placement, unchanged base first): chr11-68312746-CGCT-C. GRCh37 (hg19) VCF-style: chr11-68080214-CGCT-C.
Other names: c.-1732CTG[8] (NM_001291902.2); c.39_41del (NM_002335.4); short protein forms L20del.
Identifiers: ClinVar variation 193232 (VCV000193232.22), dbSNP rs72555376, ClinGen allele CA200424.